The following is an entry in ClinVar:

NM_000718.4(CACNA1B):c.4667C>T (p.Ala1556Val)

Gene: CACNA1B (calcium voltage-gated channel subunit alpha1 B; plus strand). Cytogenetic location: 9q34.3.
Variant type: single nucleotide variant.
Coding change: c.4667C>T on transcript NM_000718.4 (MANE Select); coding-DNA position 4667, C replaced by T.
Protein change: p.Ala1556Val; replaces alanine 1556 with valine.
Molecular consequence: missense variant.
Genome position (GRCh38, 1-based): chr9:138,059,736, C>T. VCF-style: chr9-138059736-C-T. GRCh37 (hg19) VCF-style: chr9-140954188-C-T.
Other names: c.4667C>T, p.Ala1556Val (NM_001243812.2); short protein forms A1556V.
Identifiers: ClinVar variation 2058507 (VCV002058507.4), dbSNP rs199500748, ClinGen allele CA5377055.

ClinVar aggregate classification (germline): Uncertain significance. Review status: criteria provided, multiple submitters, no conflicts (2 of 4 stars). 2 submissions from 2 submitters: Uncertain significance (2). Last evaluated 2022-11-22.

Conditions:
Complex neurodevelopmental disorder with motor features. Identifiers: MedGen CN322244, MONDO:0100516.

Allele frequency attached by ClinVar (database versions not stated): ExAC 0.00003; gnomAD exomes 0.00003; gnomAD 0.00005; TOPMed 0.00005.
gnomAD v4.1: 50 of 1,569,480 alleles (0.0032%); highest among the groups gnomAD compares: East Asian, 0.0045%; no homozygotes.

Submissions (2):

Labcorp Genetics (formerly Invitae), Labcorp
Classification: Uncertain significance. Last evaluated: 2022-11-22. Review status: criteria provided, single submitter. Criteria: Invitae Variant Classification Sherloc (09022015). Collection method: clinical testing. Allele origin: germline.
Comment: This sequence change replaces alanine, which is neutral and non-polar, with valine, which is neutral and non-polar, at codon 1556 of the CACNA1B protein (p.Ala1556Val). In summary, the available evidence is currently insufficient to determine the role of this variant in disease. Therefore, it has been classified as a Variant of Uncertain Significance. Algorithms developed to predict the effect of missense changes on protein structure and function are either unavailable or do not agree on the potential impact of this missense change (SIFT: "Deleterious"; PolyPhen-2: "Possibly Damaging"; Align-GVGD: "Class C0"). This variant has not been reported in the literature in individuals affected with CACNA1B-related conditions. This variant is present in population databases (rs199500748, gnomAD 0.006%).

Department of Pathology and Laboratory Medicine, Sinai Health System
Classification: Uncertain significance for complex neurodevelopmental disorder with motor features. Last evaluated: 2020-07-17. Review status: criteria provided, single submitter. Criteria: ACMG Guidelines, 2015. Collection method: research. Allele origin: germline.